The following is an entry in ClinVar:

ClinVar aggregate classification (germline): Conflicting classifications of pathogenicity. Review status: criteria provided, conflicting classifications (1 of 4 stars). 7 submissions from 7 submitters: Likely pathogenic (2); Uncertain significance (1). 4 of the submissions do not count toward it. Last evaluated 2026-08-06.

Conditions:
Autoinflammatory disease, X-linked. Also called: AUTOINFLAMMATORY DISEASE, SYSTEMIC, X-LINKED. Identifiers: Orphanet 699605, MedGen C5676885, MONDO:0800129, OMIM 301081.
Incontinentia pigmenti syndrome (IP). Also called: INCONTINENTIA PIGMENTI, FAMILIAL MALE-LETHAL TYPE; BLOCH-SULZBERGER SYNDROME; INCONTINENTIA PIGMENTI, TYPE II; Incontinentia Pigmenti. Identifiers: Orphanet 464, MedGen C0021171, MONDO:0010631, OMIM 308300.

Allele frequency attached by ClinVar (database versions not stated): ExAC 0.00096.

Submissions (7):

OLLIN Analises Genomicas, OLLIN
Classification: Likely pathogenic for Autoinflammatory disease, X-linked. Last evaluated: 2026-08-06. Review status: criteria provided, single submitter. Criteria: ACMG Guidelines 2015 PMID 25741868. Collection method: clinical testing. Allele origin: germline. Inheritance: X-linked inheritance.
Comment: This missense variant, located in exon 10 (of 10), is absent from gnomAD but has been reported in ClinVar (accession VCV000011449.30) and in the scientific literature in individuals with IKBKG related disorders (PMID: 19033441, 10839543, 11590134, 28679735, 19404319, 27744027). In silico analysis is inconclusive regarding the impact of this variant; however, functional studies suggest that it may affect protein function (PMID: 19033441). According to the currently available evidence, this variant has been classified as likely pathogenic (PS3_P, PS4, PM2_P).

CeGaT Center for Human Genetics Tuebingen
Classification: Uncertain significance. Last evaluated: 2023-10-01. Review status: criteria provided, single submitter. Criteria: CeGaT Center For Human Genetics Tuebingen Variant Classification Criteria Version 2. Collection method: clinical testing. Allele origin: germline. Affected: yes. Observed: 1 variant allele.
Comment: IKBKG: PS4:Moderate, PS3:Supporting

GeneDx
Classification: Likely pathogenic. Last evaluated: 2020-07-21. Review status: criteria provided, single submitter. Criteria: GeneDx Variant Classification Process June 2021. Collection method: clinical testing. Allele origin: germline. Affected: yes.
Comment: Published functional studies demonstrate a 50% decrease in NF-kB signaling compared to wild-type (Cordier et al., 2009); In silico analysis, which includes protein predictors and evolutionary conservation, supports that this variant does not alter protein structure/function; This variant is associated with the following publications: (PMID: 10839543, 11590134, 28679735, 19033441, 19404319, 27744027)

OMIM
Classification: Pathogenic for INCONTINENTIA PIGMENTI. Last evaluated: 2000-05-25. Review status: no assertion criteria provided. Collection method: literature only. Allele origin: germline. Not counted in ClinVar's aggregate classification.

Clinical Genetics DNA and cytogenetics Diagnostics Lab, Erasmus MC, Erasmus Medical Center
Classification: Uncertain significance. Review status: no assertion criteria provided. Collection method: clinical testing. Allele origin: germline. Affected: yes. Study: VKGL Data-share Consensus. Not counted in ClinVar's aggregate classification.

Diagnostic Laboratory, Department of Genetics, University Medical Center Groningen
Classification: Uncertain significance. Review status: no assertion criteria provided. Collection method: clinical testing. Allele origin: germline. Affected: yes. Study: VKGL Data-share Consensus. Not counted in ClinVar's aggregate classification.

Genome Diagnostics Laboratory, University Medical Center Utrecht
Classification: Uncertain significance. Review status: no assertion criteria provided. Collection method: clinical testing. Allele origin: germline. Affected: yes. Study: VKGL Data-share Consensus. Not counted in ClinVar's aggregate classification.

Literature cited by the submitters: PubMed 19033441 (cited by OLLIN Analises Genomicas, OLLIN); PubMed 10839543 (cited by OLLIN Analises Genomicas, OLLIN and OMIM); PubMed 11590134 (cited by OLLIN Analises Genomicas, OLLIN); PubMed 28679735 (cited by OLLIN Analises Genomicas, OLLIN); PubMed 19404319 (cited by OLLIN Analises Genomicas, OLLIN); PubMed 27744027 (cited by OLLIN Analises Genomicas, OLLIN).

NM_001099857.5(IKBKG):c.1219A>G (p.Met407Val)

Gene: IKBKG (inhibitor of nuclear factor kappa B kinase regulatory subunit gamma; plus strand). Cytogenetic location: Xq28.
Variant type: single nucleotide variant.
Coding change: c.1219A>G on transcript NM_001099857.5 (MANE Select); coding-DNA position 1219, A replaced by G.
Protein change: p.Met407Val; replaces methionine 407 with valine.
Molecular consequence: missense variant. On other transcripts: non-coding transcript variant (1).
Genome position (GRCh38, 1-based): chrX:154,564,420, A>G. VCF-style: chrX-154564420-A-G. GRCh37 (hg19) VCF-style: chrX-153792635-A-G.
Other names: c.1423A>G, p.Met475Val (NM_001099856.6); c.922A>G, p.Met308Val (NM_001145255.4); c.1219A>G, p.Met407Val (NM_001321396.3, NM_001377312.1, NM_003639.4); c.1216A>G, p.Met406Val (NM_001321397.3, NM_001377313.1); c.1063A>G, p.Met355Val (NM_001377314.1); c.850A>G, p.Met284Val (NM_001377315.1); short protein forms M407V, M406V, M475V, M308V, M284V, M355V.
Identifiers: ClinVar variation 11449 (VCV000011449.32), dbSNP rs137853322, ClinGen allele CA255887.